The following is an entry in ClinVar:

NM_015895.5(GMNN):c.581G>T (p.Cys194Phe)

Gene: GMNN (geminin DNA replication inhibitor; plus strand). Cytogenetic location: 6p22.3.
Variant type: single nucleotide variant.
Coding change: c.581G>T on transcript NM_015895.5 (MANE Select); coding-DNA position 581, G replaced by T.
Protein change: p.Cys194Phe; replaces cysteine 194 with phenylalanine.
Molecular consequence: missense variant.
Genome position (GRCh38, 1-based): chr6:24,785,750, G>T. VCF-style: chr6-24785750-G-T. GRCh37 (hg19) VCF-style: chr6-24785978-G-T.
Other names: c.581G>T, p.Cys194Phe (NM_001251989.2, NM_001251990.2, NM_001251991.1); short protein forms C194F.
Identifiers: ClinVar variation 4714060 (VCV004714060.1).
Genomic context (GRCh38, chr6:24,785,750, plus strand): 5'-TTGATTCTGAAGAAGAAACTGTTGAGGATTCTCTAGTGGAAGACTCAGAAATTGGCACGT[G>T]TGCTGAAGGAACTGTATCTTCCTCTACGGATGCAAAGCCATGTATATGAAATGCATTAAT-3'
Protein context (NP_056979.1, residues 184-204): SLVEDSEIGT[Cys194Phe]AEGTVSSSTD

ClinVar aggregate classification (germline): Uncertain significance (1 of 4 stars; one submission).

gnomAD v4.1: 1 of 1,590,610 alleles (0.000063%); highest among the groups gnomAD compares: Non-Finnish European, 0.000086%; no homozygotes.

Submission:

Labcorp Genetics (formerly Invitae), Labcorp
Classification: Uncertain significance. Last evaluated: 2025-03-07. Review status: criteria provided, single submitter. Criteria: Invitae Variant Classification Sherloc (09022015). Collection method: clinical testing. Allele origin: germline.
Comment: This sequence change replaces cysteine, which is neutral and slightly polar, with phenylalanine, which is neutral and non-polar, at codon 194 of the GMNN protein (p.Cys194Phe). This variant is not present in population databases (gnomAD no frequency). This variant has not been reported in the literature in individuals affected with GMNN-related conditions. An algorithm developed to predict the effect of missense changes on protein structure and function (PolyPhen-2) suggests that this variant is likely to be tolerated. In summary, the available evidence is currently insufficient to determine the role of this variant in disease. Therefore, it has been classified as a Variant of Uncertain Significance.